The following is an entry in ClinVar:

NM_182961.4(SYNE1):c.19423C>T (p.Arg6475Ter)

Gene: SYNE1 (spectrin repeat containing nuclear envelope protein 1; minus strand). Cytogenetic location: 6q25.2.
Variant type: single nucleotide variant.
Coding change: c.19423C>T on transcript NM_182961.4 (MANE Select); coding-DNA position 19423, C replaced by T.
Protein change: p.Arg6475Ter; replaces arginine 6475 with a stop codon.
Molecular consequence: nonsense.
Genome position (GRCh38, 1-based): chr6:152,254,927, G>A on the plus strand (C>T on the coding strand, the complement: SYNE1 is on the minus strand). VCF-style: chr6-152254927-G-A. GRCh37 (hg19) VCF-style: chr6-152576062-G-A.
Other names: c.19210C>T, p.Arg6404Ter (NM_033071.5); short protein forms R6404*, R6475*.
Identifiers: ClinVar variation 1413778 (VCV001413778.29), dbSNP rs1258745040, ClinGen allele CA366135892.

ClinVar aggregate classification (germline): Pathogenic. Review status: criteria provided, multiple submitters, no conflicts (2 of 4 stars). 2 submissions from 2 submitters: Pathogenic (2). Last evaluated 2022-07-05.

Conditions:
Emery-Dreifuss muscular dystrophy 4, autosomal dominant (EDMD4). Also called: EMERY-DREIFUSS MUSCULAR DYSTROPHY 4 WITH VARIABLE FEATURES. Identifiers: Orphanet 261, MedGen C2751807, MONDO:0013071, OMIM 612998.
Autosomal recessive ataxia, Beauce type. Also called: SYNE1-Related Autosomal Recessive Cerebellar Ataxia; ATAXIA, RECESSIVE, OF BEAUCE; SYNE1 Deficiency; Spinocerebellar ataxia, autosomal recessive 8. Identifiers: Orphanet 88644, MedGen C1853116, MONDO:0012549, OMIM 610743.

Allele frequency attached by ClinVar (database versions not stated): gnomAD exomes below 0.00001 and 0.00001.
gnomAD v4.1: 3 of 1,613,936 alleles (0.00019%); highest among the groups gnomAD compares: Admixed American, 0.0017%; no homozygotes.

Submissions (2):

Labcorp Genetics (formerly Invitae), Labcorp
Classification: Pathogenic for Emery-Dreifuss muscular dystrophy 4, autosomal dominant; Autosomal recessive ataxia, Beauce type. Last evaluated: 2022-07-05. Review status: criteria provided, single submitter. Criteria: Invitae Variant Classification Sherloc (09022015). Collection method: clinical testing. Allele origin: germline.
Comment: This variant is present in population databases (no rsID available, gnomAD 0.003%). This sequence change creates a premature translational stop signal (p.Arg6404*) in the SYNE1 gene. It is expected to result in an absent or disrupted protein product. Loss-of-function variants in SYNE1 are known to be pathogenic (PMID: 19542096, 24319099, 27086870). This variant has not been reported in the literature in individuals affected with SYNE1-related conditions. For these reasons, this variant has been classified as Pathogenic. ClinVar contains an entry for this variant (Variation ID: 1413778).

CeGaT Center for Human Genetics Tuebingen
Classification: Pathogenic. Last evaluated: 2022-07-01. Review status: criteria provided, single submitter. Criteria: CeGaT Center For Human Genetics Tuebingen Variant Classification Criteria Version 2. Collection method: clinical testing. Allele origin: germline. Affected: yes. Observed: 1 variant allele.
Comment: SYNE1: PVS1, PM2

Literature cited by the submitters: PubMed 19542096 (cited by Labcorp Genetics (formerly Invitae), Labcorp); PubMed 24319099 (cited by Labcorp Genetics (formerly Invitae), Labcorp); PubMed 27086870 (cited by Labcorp Genetics (formerly Invitae), Labcorp).